The following is an entry in ClinVar:

ClinVar aggregate classification (germline): Conflicting classifications of pathogenicity. Review status: criteria provided, conflicting classifications (1 of 4 stars). 3 submissions from 3 submitters: Pathogenic (1); Likely pathogenic (1); Uncertain significance (1). Last evaluated 2025-11-21.

Conditions:
Primary familial dilated cardiomyopathy (FDC). Also called: Familial dilated cardiomyopathy; Hypokinetic dilated cardiomyopathy, familial. Identifiers: Orphanet 217607, MedGen C0340427, MONDO:0016333.
Dilated cardiomyopathy 1DD (CMD1DD). Identifiers: Orphanet 154, MedGen C2750995, MONDO:0013168, OMIM 613172.

Allele frequency attached by ClinVar (database versions not stated): gnomAD exomes 0.00001.

Submissions (3):

Labcorp Genetics (formerly Invitae), Labcorp
Classification: Pathogenic for Dilated cardiomyopathy 1DD. Last evaluated: 2025-11-21. Review status: criteria provided, single submitter. Criteria: Invitae Variant Classification Sherloc (09022015). Collection method: clinical testing. Allele origin: germline.
Comment: This sequence change creates a premature translational stop signal (p.Glu896Glyfs*14) in the RBM20 gene. It is expected to result in an absent or disrupted protein product. Loss-of-function variants in RBM20 are known to be pathogenic (PMID: 20590677, 22004663, 38288598, 38510713, 40339755). This variant is not present in population databases (gnomAD no frequency). This premature translational stop signal has been observed in individual(s) with dilated cardiomyopathy (PMID: 33996946). ClinVar contains an entry for this variant (Variation ID: 1339672). For these reasons, this variant has been classified as Pathogenic.

GeneDx
Classification: Uncertain significance. Last evaluated: 2022-05-09. Review status: criteria provided, single submitter. Criteria: GeneDx Variant Classification Process June 2021. Collection method: clinical testing. Allele origin: germline. Affected: yes.
Comment: Not observed at significant frequency in large population cohorts (gnomAD); Frameshift variant predicted to result in protein truncation or nonsense mediated decay in a gene or region of a gene for which loss of function is not a well-established mechanism of disease; Has not been previously published as pathogenic or benign to our knowledge

Women's Health and Genetics/Laboratory Corporation of America, LabCorp
Classification: Likely pathogenic for Primary familial dilated cardiomyopathy. Last evaluated: 2022-01-10. Review status: criteria provided, single submitter. Criteria: LabCorp Variant Classification Summary - May 2015. Collection method: clinical testing. Allele origin: germline.
Comment: Variant summary: RBM20 c.2687delA (p.Glu896GlyfsX14) results in a premature termination codon, predicted to cause a truncation of the encoded protein or absence of the protein due to nonsense mediated decay, which are commonly known mechanisms for disease. Truncations downstream of this position have not been classified as pathogenic by our laboratory but have been reported with an associated phenotype of Cardiomyopathy in the HGMD database. The variant was absent in 156238 control chromosomes. To our knowledge, no occurrence of c.2687delA in individuals affected with Dilated Cardiomyopathy and no experimental evidence demonstrating its impact on protein function have been reported. No clinical diagnostic laboratories have submitted clinical-significance assessments for this variant to ClinVar after 2014. Based on the evidence outlined above, the variant was classified as likely pathogenic.

Literature cited by the submitters: PubMed 20590677 (cited by Labcorp Genetics (formerly Invitae), Labcorp); PubMed 22004663 (cited by Labcorp Genetics (formerly Invitae), Labcorp); PubMed 38288598 (cited by Labcorp Genetics (formerly Invitae), Labcorp); PubMed 38510713 (cited by Labcorp Genetics (formerly Invitae), Labcorp); PubMed 40339755 (cited by Labcorp Genetics (formerly Invitae), Labcorp); PubMed 33996946 (cited by Labcorp Genetics (formerly Invitae), Labcorp).

NM_001134363.3(RBM20):c.2687del (p.Glu896fs)

Gene: RBM20 (RNA binding motif protein 20; plus strand). Cytogenetic location: 10q25.2.
Variant type: Deletion.
Coding change: c.2687del on transcript NM_001134363.3 (MANE Select); coding-DNA position 2687, one base deleted (A; older notation c.2687delA).
Protein change: p.Glu896fs; shifts the reading frame from glutamic acid 896.
Molecular consequence: frameshift variant.
Genome position (GRCh38, 1-based): chr10:110,821,306, A deleted. VCF-style (leftmost placement, unchanged base first): chr10-110821305-GA-G. GRCh37 (hg19) VCF-style: chr10-112581063-GA-G.
Other names: short protein forms E896fs.
Identifiers: ClinVar variation 1339672 (VCV001339672.4), dbSNP rs2135120754, ClinGen allele CA2573053237.